The following is an entry in ClinVar:

ClinVar aggregate classification (germline): Uncertain significance (1 of 4 stars; one submission).

Conditions:
Episodic ataxia type 2 (EA2). Also called: CEREBELLAR ATAXIA, PAROXYSMAL, ACETAZOLAMIDE-RESPONSIVE; CEREBELLOPATHY, HEREDITARY PAROXYSMAL; EPISODIC ATAXIA, NYSTAGMUS-ASSOCIATED; ACETAZOLAMIDE-RESPONSIVE HEREDITARY PAROXYSMAL CEREBELLAR ATAXIA; ATAXIA, EPISODIC, WITH NYSTAGMUS; ATAXIA, FAMILIAL PAROXYSMAL. Identifiers: Orphanet 97, MedGen C1720416, MONDO:0007163, OMIM 108500.
Developmental and epileptic encephalopathy, 42 (DEE42A). Also called: Epileptic encephalopathy, early infantile, 42; DEVELOPMENTAL AND EPILEPTIC ENCEPHALOPATHY 42A; EPILEPTIC ENCEPHALOPATHY, EARLY INFANTILE, 42A. Identifiers: MedGen C4310716, MONDO:0014917, OMIM 617106.

Allele frequency attached by ClinVar (database versions not stated): gnomAD exomes below 0.00001.
gnomAD v4.1: 1 of 1,611,126 alleles (0.000062%); highest among the groups gnomAD compares: Middle Eastern, 0.017%; no homozygotes.

Submission:

Labcorp Genetics (formerly Invitae), Labcorp
Classification: Uncertain significance for Developmental and epileptic encephalopathy, 42; Episodic ataxia type 2. Last evaluated: 2024-12-30. Review status: criteria provided, single submitter. Criteria: Invitae Variant Classification Sherloc (09022015). Collection method: clinical testing. Allele origin: germline.
Comment: This sequence change affects codon 1418 of the CACNA1A mRNA. It is a 'silent' change, meaning that it does not change the encoded amino acid sequence of the CACNA1A protein. It affects a nucleotide within the consensus splice site. This variant is not present in population databases (gnomAD no frequency). This variant has not been reported in the literature in individuals affected with CACNA1A-related conditions. ClinVar contains an entry for this variant (Variation ID: 2938701). Algorithms developed to predict the effect of sequence changes on RNA splicing suggest that this variant is not likely to affect RNA splicing. In summary, the available evidence is currently insufficient to determine the role of this variant in disease. Therefore, it has been classified as a Variant of Uncertain Significance.

NM_001127222.2(CACNA1A):c.4251A>T (p.Arg1417=)

Gene: CACNA1A (calcium voltage-gated channel subunit alpha1 A; minus strand). Cytogenetic location: 19p13.13.
Variant type: single nucleotide variant.
Coding change: c.4251A>T on transcript NM_001127222.2 (MANE Select); coding-DNA position 4251, A replaced by T.
Protein change: p.Arg1417=; no amino-acid change (arginine 1417 retained).
Molecular consequence: synonymous variant.
Genome position (GRCh38, 1-based): chr19:13,259,701, T>A on the plus strand (A>T on the coding strand, the complement: CACNA1A is on the minus strand). VCF-style: chr19-13259701-T-A. GRCh37 (hg19) VCF-style: chr19-13370515-T-A.
Other names: c.4263A>T, p.Arg1421= (NM_000068.4, NM_023035.3); c.4254A>T, p.Arg1418= (NM_001127221.2, NM_001174080.2).
Identifiers: ClinVar variation 2938701 (VCV002938701.3), dbSNP rs2512751878, ClinGen allele CA505659858.
Genomic context (GRCh38, chr19:13,259,701, plus strand): 5'-CTTCTTCCACTCCCGGTCTCGCGCCTTCACCTCATTCTTCTCGTAGAGGAGGTATTTGCC[T>A]CTGCCACAGAGAGTGGGGACTGTTAGTAAATGGGAAAGAGGGGCTGTCTTGCACTTGTCT-3'
Protein context (NP_001120694.1, residues 1407-1427): DESKEFEKDC[Arg1417=]GKYLLYEKNE